The following is an entry in ClinVar:

NM_005609.4(PYGM):c.558del (p.Arg185_Tyr186insTer)

Gene: PYGM (glycogen phosphorylase, muscle associated; minus strand). Cytogenetic location: 11q13.1.
Variant type: Deletion.
Coding change: c.558del on transcript NM_005609.4 (MANE Select); coding-DNA position 558, one base deleted (C; older notation c.558delC).
Protein change: p.Arg185_Tyr186insTer.
Molecular consequence: nonsense.
Genome position (GRCh38, 1-based): chr11:64,757,881, G deleted on the plus strand (C on the coding strand, the reverse complement: PYGM is on the minus strand). VCF-style (leftmost placement, unchanged base first): chr11-64757880-CG-C. GRCh37 (hg19) VCF-style: chr11-64525352-CG-C.
Other names: c.294del, p.Arg97_Tyr98insTer (NM_001164716.1).
Identifiers: ClinVar variation 2122724 (VCV002122724.4), dbSNP rs2496668696, ClinGen allele CA2580084718.

ClinVar aggregate classification (germline): Pathogenic (1 of 4 stars; one submission).

Conditions:
Glycogen storage disease, type V (GSD5). Also called: McArdle type glycogen storage disease; MCARDLE DISEASE; MUSCLE GLYCOGEN PHOSPHORYLASE DEFICIENCY; MYOPHOSPHORYLASE DEFICIENCY; PYGM DEFICIENCY. Identifiers: Orphanet 368, MedGen C0017924, MONDO:0009293, OMIM 232600.

Submission:

Labcorp Genetics (formerly Invitae), Labcorp
Classification: Pathogenic for Glycogen storage disease, type V. Last evaluated: 2022-04-07. Review status: criteria provided, single submitter. Criteria: Invitae Variant Classification Sherloc (09022015). Collection method: clinical testing. Allele origin: germline.
Comment: This sequence change creates a premature translational stop signal (p.Tyr186*) in the PYGM gene. It is expected to result in an absent or disrupted protein product. Loss-of-function variants in PYGM are known to be pathogenic (PMID: 8316268, 16786513). This variant is not present in population databases (gnomAD no frequency). This variant has not been reported in the literature in individuals affected with PYGM-related conditions. For these reasons, this variant has been classified as Pathogenic.

Literature cited by the submitters: PubMed 8316268; PubMed 16786513.